The following is an entry in ClinVar:

NM_001303256.3(MORC2):c.2464G>T (p.Val822Leu)

Gene: MORC2 (MORC family CW-type zinc finger 2; minus strand). Cytogenetic location: 22q12.2.
Variant type: single nucleotide variant.
Coding change: c.2464G>T on transcript NM_001303256.3 (MANE Select); coding-DNA position 2464, G replaced by T.
Protein change: p.Val822Leu; replaces valine 822 with leucine.
Molecular consequence: missense variant.
Genome position (GRCh38, 1-based): chr22:30,932,947, C>A on the plus strand (G>T on the coding strand, the complement: MORC2 is on the minus strand). VCF-style: chr22-30932947-C-A. GRCh37 (hg19) VCF-style: chr22-31328934-C-A.
Other names: c.2464G>T, p.Val822Leu (NM_001303257.2); c.2278G>T, p.Val760Leu (NM_014941.3); short protein forms V822L, V760L.
Identifiers: ClinVar variation 855733 (VCV000855733.8), dbSNP rs2040597232, ClinGen allele CA411232305.

ClinVar aggregate classification (germline): Uncertain significance (1 of 4 stars; one submission).

Conditions:
Charcot-Marie-Tooth disease axonal type 2Z. Also called: CHARCOT-MARIE-TOOTH DISEASE, AXONAL, AUTOSOMAL DOMINANT, TYPE 2Z; CHARCOT-MARIE-TOOTH NEUROPATHY, TYPE 2Z. Identifiers: Orphanet 466768, MedGen C5569025, MONDO:0014736, OMIM 616688.

Allele frequency attached by ClinVar (database versions not stated): gnomAD exomes below 0.00001.
gnomAD v4.1: 1 of 1,614,200 alleles (0.000062%); highest among the groups gnomAD compares: Non-Finnish European, 0.000085%; no homozygotes.

Submission:

Labcorp Genetics (formerly Invitae), Labcorp
Classification: Uncertain significance for Charcot-Marie-Tooth disease axonal type 2Z. Last evaluated: 2024-03-13. Review status: criteria provided, single submitter. Criteria: Invitae Variant Classification Sherloc (09022015). Collection method: clinical testing. Allele origin: germline.
Comment: This sequence change replaces valine, which is neutral and non-polar, with leucine, which is neutral and non-polar, at codon 822 of the MORC2 protein (p.Val822Leu). This variant is not present in population databases (gnomAD no frequency). This variant has not been reported in the literature in individuals affected with MORC2-related conditions. ClinVar contains an entry for this variant (Variation ID: 855733). Advanced modeling of protein sequence and biophysical properties (such as structural, functional, and spatial information, amino acid conservation, physicochemical variation, residue mobility, and thermodynamic stability) performed at Invitae indicates that this missense variant is not expected to disrupt MORC2 protein function with a negative predictive value of 95%. In summary, the available evidence is currently insufficient to determine the role of this variant in disease. Therefore, it has been classified as a Variant of Uncertain Significance.